The following is an entry in ClinVar:

NM_006280.3(SSR4):c.-14G>T

Gene: SSR4 (signal sequence receptor subunit 4; plus strand). Cytogenetic location: Xq28.
Variant type: single nucleotide variant.
Coding change: c.-14G>T on transcript NM_006280.3 (MANE Select); 14 bases upstream of the start codon, G replaced by T.
Molecular consequence: 5 prime UTR variant. On other transcripts: missense variant (2).
Genome position (GRCh38, 1-based): chrX:153,794,674, G>T. VCF-style: chrX-153794674-G-T. GRCh37 (hg19) VCF-style: chrX-153060129-G-T.
Other names: c.20G>T, p.Gly7Val (NM_001204526.2); c.11G>T, p.Ser4Ile (NM_001204527.2); short protein forms G7V, S4I.
Identifiers: ClinVar variation 2629776 (VCV002629776.1), dbSNP rs2520494311, ClinGen allele CA2695197194.

ClinVar aggregate classification (germline): Uncertain significance (1 of 4 stars; one submission).

Conditions:
SSR4-related disorder. Also called: SSR4-related condition.

Submission:

PreventionGenetics, part of Exact Sciences
Classification: Uncertain significance for SSR4-related condition. Last evaluated: 2023-01-04. Review status: criteria provided, single submitter. Criteria: ACMG Guidelines, 2015. Collection method: clinical testing. Allele origin: germline.
Comment: The SSR4 c.20G>T variant is predicted to result in the amino acid substitution p.Gly7Val. To our knowledge, this variant has not been reported in the literature or in a large population database, indicating this variant is rare. At this time, the clinical significance of this variant is uncertain due to the absence of conclusive functional and genetic evidence.